The following is an entry in ClinVar:

NM_032043.3(BRIP1):c.2164A>T (p.Thr722Ser)

Gene: BRIP1 (BRCA1 interacting DNA helicase 1; minus strand). Cytogenetic location: 17q23.2.
Variant type: single nucleotide variant.
Coding change: c.2164A>T on transcript NM_032043.3 (MANE Select); coding-DNA position 2164, A replaced by T.
Protein change: p.Thr722Ser; replaces threonine 722 with serine.
Molecular consequence: missense variant.
Genome position (GRCh38, 1-based): chr17:61,744,525, T>A on the plus strand (A>T on the coding strand, the complement: BRIP1 is on the minus strand). VCF-style: chr17-61744525-T-A. GRCh37 (hg19) VCF-style: chr17-59821886-T-A.
Other names: short protein forms T722S.
Identifiers: ClinVar variation 489824 (VCV000489824.6), dbSNP rs1555591453, ClinGen allele CA400483134.

ClinVar aggregate classification (germline): Uncertain significance (1 of 4 stars; one submission).

Conditions:
Hereditary cancer-predisposing syndrome. Also called: Hereditary Cancer Syndrome; Neoplastic Syndromes, Hereditary; Tumor predisposition; Hereditary neoplastic syndrome. Identifiers: Orphanet 140162, MedGen C0027672, MeSH D009386, MONDO:0015356.

Submission:

Color Diagnostics, LLC DBA Color Health
Classification: Uncertain significance for Hereditary cancer-predisposing syndrome. Last evaluated: 2023-12-05. Review status: criteria provided, single submitter. Criteria: ACMG Guidelines, 2015. Collection method: clinical testing. Allele origin: germline.
Comment: This missense variant replaces threonine with serine at codon 722 of the BRIP1 protein. Computational prediction is inconclusive regarding the impact of this variant on protein structure and function (internally defined REVEL score threshold 0.5 < inconclusive < 0.7, PMID: 27666373). To our knowledge, functional studies have not been reported for this variant. This variant has not been reported in individuals affected with BRIP1-related disorders in the literature. This variant has not been identified in the general population by the Genome Aggregation Database (gnomAD). The available evidence is insufficient to determine the role of this variant in disease conclusively. Therefore, this variant is classified as a Variant of Uncertain Significance.